The following is an entry in ClinVar:

ClinVar aggregate classification (germline): Likely benign (3 of 4 stars; one submission).

Conditions:
Open-angle glaucoma. Identifiers: MedGen C0017612, MONDO:0005338, HP:0012108.

Allele frequency attached by ClinVar (database versions not stated): gnomAD exomes 0.00003; gnomAD 0.00001; ExAC 0.00002.

Submission:

ClinGen Glaucoma Variant Curation Expert Panel
Classification: Likely benign for Open-angle glaucoma. Last evaluated: 2026-01-20. Review status: reviewed by expert panel. Criteria: ClinGen Glaucoma ACMG Specifications V2.0.0 Approved. Collection method: curation. Allele origin: germline. Inheritance: Autosomal dominant inheritance.
Comment: The c.210C>T variant in MYOC is a synonymous variant (p.Val70=). The highest minor allele frequency of this variant was in the East Asian genetic ancestry group of gnomAD (v4.1.0) = 0.0003787 (17 alleles out of 44,886), which did not meet the PM2_Supporting allele frequency threshold (≤ 0.0001) or the BS1 allele frequency threshold (≥ 0.001). The SpliceAI score = 0, which met the ≤ 0.1 threshold for BP4, suggesting that the variant does not impact MYOC function. This synonymous variant meets BP4, so BP7 is met. There was no functional evidence predicting a damaging or benign impact of this variant on MYOC function. Although probands with primary open angle glaucoma have been reported carrying this variant, PM2_Supporting was not met, therefore PS4 did not apply. In summary, this variant met the criteria to receive a score of -2 and to be classified as likely benign (likely benign classification range -2 to -6, adapted from PMID: 32720330) for primary open angle glaucoma based on the ACMG/AMP criteria met, as specified by the ClinGen Glaucoma VCEP (v2.0.0, 5 Dec 2024): BP4, BP7.

NM_000261.2(MYOC):c.210C>T (p.Val70=)

Gene: MYOC (myocilin; minus strand). Cytogenetic location: 1q24.3.
Variant type: single nucleotide variant.
Coding change: c.210C>T on transcript NM_000261.2 (MANE Select); coding-DNA position 210, C replaced by T.
Protein change: p.Val70=; no amino-acid change (valine 70 retained).
Molecular consequence: synonymous variant.
Genome position (GRCh38, 1-based): chr1:171,652,402, G>A on the plus strand (C>T on the coding strand, the complement: MYOC is on the minus strand). VCF-style: chr1-171652402-G-A. GRCh37 (hg19) VCF-style: chr1-171621542-G-A.
Other names: NM_000261.2:c.210C>T.
Identifiers: ClinVar variation 2442289 (VCV002442289.2), dbSNP rs756300389, ClinGen allele CA1244313.